The following is an entry in ClinVar:

NM_002878.4(RAD51D):c.223C>A (p.Leu75Met)

Genes: RAD51D (RAD51 paralog D; minus strand), RAD51L3-RFFL (RAD51L3-RFFL readthrough; minus strand). Cytogenetic location: 17q12.
Variant type: single nucleotide variant.
Coding change: c.223C>A on transcript NM_002878.4 (MANE Select); coding-DNA position 223, C replaced by A.
Protein change: p.Leu75Met; replaces leucine 75 with methionine.
Molecular consequence: missense variant. On other transcripts: intron variant (2).
Genome position (GRCh38, 1-based): chr17:35,118,541, G>T on the plus strand (C>A on the coding strand, the complement: RAD51D is on the minus strand). VCF-style: chr17-35118541-G-T. GRCh37 (hg19) VCF-style: chr17-33445560-G-T.
Other names: c.144+570C>A (NM_133629.3, NM_001142571.2); short protein forms L75M.
Identifiers: ClinVar variation 642845 (VCV000642845.12), dbSNP rs746929682, ClinGen allele CA399091253.

ClinVar aggregate classification (germline): Uncertain significance. Review status: criteria provided, multiple submitters, no conflicts (2 of 4 stars). 3 submissions from 3 submitters: Uncertain significance (3). Last evaluated 2024-06-13.

Conditions:
Hereditary cancer-predisposing syndrome. Also called: Neoplastic Syndromes, Hereditary; Tumor predisposition; Hereditary neoplastic syndrome; Hereditary Cancer Syndrome. Identifiers: Orphanet 140162, MedGen C0027672, MeSH D009386, MONDO:0015356.
Breast-ovarian cancer, familial, susceptibility to, 4. Identifiers: Orphanet 145, MedGen C3280345, MONDO:0013669, OMIM 614291.

Submissions (3):

Labcorp Genetics (formerly Invitae), Labcorp
Classification: Uncertain significance for Breast-ovarian cancer, familial, susceptibility to, 4. Last evaluated: 2024-06-13. Review status: criteria provided, single submitter. Criteria: Invitae Variant Classification Sherloc (09022015). Collection method: clinical testing. Allele origin: germline.
Comment: This sequence change replaces leucine, which is neutral and non-polar, with methionine, which is neutral and non-polar, at codon 75 of the RAD51D protein (p.Leu75Met). This variant is not present in population databases (gnomAD no frequency). This variant has not been reported in the literature in individuals affected with RAD51D-related conditions. ClinVar contains an entry for this variant (Variation ID: 642845). Advanced modeling of protein sequence and biophysical properties (such as structural, functional, and spatial information, amino acid conservation, physicochemical variation, residue mobility, and thermodynamic stability) performed at Invitae indicates that this missense variant is not expected to disrupt RAD51D protein function with a negative predictive value of 80%. In summary, the available evidence is currently insufficient to determine the role of this variant in disease. Therefore, it has been classified as a Variant of Uncertain Significance.

Ambry Genetics
Classification: Uncertain significance for Hereditary cancer-predisposing syndrome. Last evaluated: 2024-03-26. Review status: criteria provided, single submitter. Criteria: Ambry Variant Classification Scheme 2023. Collection method: clinical testing. Allele origin: germline.
Comment: The p.L75M variant (also known as c.223C>A), located in coding exon 3 of the RAD51D gene, results from a C to A substitution at nucleotide position 223. The leucine at codon 75 is replaced by methionine, an amino acid with highly similar properties. This amino acid position is highly conserved in available vertebrate species. In addition, the in silico prediction for this alteration is inconclusive. Based on the available evidence, the clinical significance of this alteration remains unclear.

GeneDx
Classification: Uncertain significance. Last evaluated: 2024-02-12. Review status: criteria provided, single submitter. Criteria: GeneDx Variant Classification Process June 2021. Collection method: clinical testing. Allele origin: germline. Affected: yes.
Comment: Not observed at significant frequency in large population cohorts (gnomAD); In silico analysis supports that this missense variant does not alter protein structure/function; Has not been previously published as pathogenic or benign to our knowledge